The following is an entry in ClinVar:

NM_032119.4(ADGRV1):c.11595A>G (p.Glu3865=)

Gene: ADGRV1 (adhesion G protein-coupled receptor V1; plus strand). Cytogenetic location: 5q14.3.
Variant type: single nucleotide variant.
Coding change: c.11595A>G on transcript NM_032119.4 (MANE Select); coding-DNA position 11595, A replaced by G.
Protein change: p.Glu3865=; no amino-acid change (glutamic acid 3865 retained).
Molecular consequence: synonymous variant. On other transcripts: non-coding transcript variant (1).
Genome position (GRCh38, 1-based): chr5:90,756,468, A>G. VCF-style: chr5-90756468-A-G. GRCh37 (hg19) VCF-style: chr5-90052285-A-G.
Identifiers: ClinVar variation 668192 (VCV000668192.2), dbSNP rs1581017560, ClinGen allele CA445404396.

ClinVar aggregate classification (germline): Likely benign. Review status: criteria provided, multiple submitters, no conflicts (2 of 4 stars). 2 submissions from 2 submitters: Likely benign (2). Last evaluated 2025-12-19.

Submissions (2):

Labcorp Genetics (formerly Invitae), Labcorp
Classification: Likely benign. Last evaluated: 2025-12-19. Review status: criteria provided, single submitter. Criteria: Invitae Variant Classification Sherloc (09022015). Collection method: clinical testing. Allele origin: germline.

GeneDx
Classification: Likely benign. Last evaluated: 2018-05-23. Review status: criteria provided, single submitter. Criteria: GeneDx Variant Classification (06012015). Collection method: clinical testing. Allele origin: germline. Affected: yes.
Comment: This variant is considered likely benign or benign based on one or more of the following criteria: it is a conservative change, it occurs at a poorly conserved position in the protein, it is predicted to be benign by multiple in silico algorithms, and/or has population frequency not consistent with disease.